The following is an entry in ClinVar:

ClinVar aggregate classification (germline): Uncertain significance (1 of 4 stars; one submission).

gnomAD v4.1: 14 of 1,614,024 alleles (0.00087%); highest among the groups gnomAD compares: East Asian, 0.0022%; no homozygotes.

Submission:

GeneDx
Classification: Uncertain significance. Last evaluated: 2024-05-28. Review status: criteria provided, single submitter. Criteria: GeneDx Variant Classification Process June 2021. Collection method: clinical testing. Allele origin: germline. Affected: yes.
Comment: Has not been previously published as pathogenic or benign to our knowledge; Not observed at significant frequency in large population cohorts (gnomAD); In silico analysis supports that this missense variant has a deleterious effect on protein structure/function

NM_020774.4(MIB1):c.266G>A (p.Arg89His)

Gene: MIB1 (MIB E3 ubiquitin protein ligase 1; plus strand). Cytogenetic location: 18q11.2.
Variant type: single nucleotide variant.
Coding change: c.266G>A on transcript NM_020774.4 (MANE Select); coding-DNA position 266, G replaced by A.
Protein change: p.Arg89His; replaces arginine 89 with histidine.
Molecular consequence: missense variant.
Genome position (GRCh38, 1-based): chr18:21,765,808, G>A. VCF-style: chr18-21765808-G-A. GRCh37 (hg19) VCF-style: chr18-19345769-G-A.
Other names: short protein forms R89H.
Identifiers: ClinVar variation 3383516 (VCV003383516.1).